The following is an entry in ClinVar:

NM_001352754.2(ARMC9):c.2432C>G (p.Pro811Arg)

Gene: ARMC9 (armadillo repeat containing 9; plus strand). Cytogenetic location: 2q37.1.
Variant type: single nucleotide variant.
Coding change: c.2432C>G on transcript NM_001352754.2 (MANE Select); coding-DNA position 2432, C replaced by G.
Protein change: p.Pro811Arg; replaces proline 811 with arginine.
Molecular consequence: missense variant.
Genome position (GRCh38, 1-based): chr2:231,370,123, C>G. VCF-style: chr2-231370123-C-G. GRCh37 (hg19) VCF-style: chr2-232234834-C-G.
Other names: c.2432C>G, p.Pro811Arg (NM_001271466.4); short protein forms P811R.
Identifiers: ClinVar variation 1357909 (VCV001357909.6), dbSNP rs564939247, ClinGen allele CA350960155.

ClinVar aggregate classification (germline): Uncertain significance (1 of 4 stars; one submission).

gnomAD v4.1: 3 of 1,524,498 alleles (0.0002%); highest among the groups gnomAD compares: Non-Finnish European, 0.00026%; no homozygotes.

Submission:

Labcorp Genetics (formerly Invitae), Labcorp
Classification: Uncertain significance. Last evaluated: 2021-05-31. Review status: criteria provided, single submitter. Criteria: Invitae Variant Classification Sherloc (09022015). Collection method: clinical testing. Allele origin: germline.
Comment: This sequence change replaces proline with arginine at codon 811 of the ARMC9 protein (p.Pro811Arg). The proline residue is weakly conserved and there is a moderate physicochemical difference between proline and arginine. The frequency data for this variant in the population databases is considered unreliable, as metrics indicate insufficient coverage at this position in the ExAC database. This variant has not been reported in the literature in individuals with ARMC9-related conditions. Experimental studies and prediction algorithms are not available or were not evaluated, and the functional significance of this variant is currently unknown. In summary, the available evidence is currently insufficient to determine the role of this variant in disease. Therefore, it has been classified as a Variant of Uncertain Significance.